The following is an entry in ClinVar:

ClinVar aggregate classification (germline): Uncertain significance (1 of 4 stars; one submission).

Conditions:
Christianson syndrome (MRXSCH). Also called: INTELLECTUAL DEVELOPMENTAL DISORDER, X-LINKED, SYNDROMIC, CHRISTIANSON TYPE; X-linked mental retardation, syndromic, Christianson type; SLC9A6-Related Syndromic Mental Retardation. Identifiers: Orphanet 85278, MedGen C2678194, MONDO:0010278, OMIM 300243.

Allele frequency attached by ClinVar (database versions not stated): gnomAD exomes below 0.00001.
gnomAD v4.1: 1 of 1,210,965 alleles (0.000083%); highest among the groups gnomAD compares: African/African-American, 0.0017%; no homozygotes.

Submission:

Labcorp Genetics (formerly Invitae), Labcorp
Classification: Uncertain significance for Christianson syndrome. Last evaluated: 2024-10-24. Review status: criteria provided, single submitter. Criteria: Invitae Variant Classification Sherloc (09022015). Collection method: clinical testing. Allele origin: germline.
Comment: This sequence change replaces glycine, which is neutral and non-polar, with glutamic acid, which is acidic and polar, at codon 566 of the SLC9A6 protein (p.Gly566Glu). This variant is not present in population databases (gnomAD no frequency). This variant has not been reported in the literature in individuals affected with SLC9A6-related conditions. ClinVar contains an entry for this variant (Variation ID: 959999). Invitae Evidence Modeling of protein sequence and biophysical properties (such as structural, functional, and spatial information, amino acid conservation, physicochemical variation, residue mobility, and thermodynamic stability) indicates that this missense variant is not expected to disrupt SLC9A6 protein function with a negative predictive value of 80%. In summary, the available evidence is currently insufficient to determine the role of this variant in disease. Therefore, it has been classified as a Variant of Uncertain Significance.

NM_001379110.1(SLC9A6):c.1727G>A (p.Gly576Glu)

Gene: SLC9A6 (solute carrier family 9 member A6; plus strand). Cytogenetic location: Xq26.3.
Variant type: single nucleotide variant.
Coding change: c.1727G>A on transcript NM_001379110.1 (MANE Select); coding-DNA position 1727, G replaced by A.
Protein change: p.Gly576Glu; replaces glycine 576 with glutamic acid.
Molecular consequence: missense variant.
Genome position (GRCh38, 1-based): chrX:136,040,141, G>A. VCF-style: chrX-136040141-G-A. GRCh37 (hg19) VCF-style: chrX-135122300-G-A.
Other names: c.1793G>A, p.Gly598Glu (NM_001042537.2); c.1637G>A, p.Gly546Glu (NM_001177651.2); c.1541G>A, p.Gly514Glu (NM_001330652.2); c.1697G>A, p.Gly566Glu (NM_006359.3); short protein forms G514E, G546E, G598E, G566E, G576E.
Identifiers: ClinVar variation 959999 (VCV000959999.10), dbSNP rs2071482037, ClinGen allele CA414756153.
Genomic context (GRCh38, chrX:136,040,141, plus strand): 5'-TGAAGCCTCTGCTGACCCACAGCGGGCCTCCGCTGACAACAACACTCCCTGCCTGCTGTG[G>A]ACCCATCGCCAGGTGCCTCACCAGCCCCCAGGCTTACGAAGTAAGTTGGTTTTATCCAAA-3'
Protein context (NP_001366039.1, residues 566-586): PLTTTLPACC[Gly576Glu]PIARCLTSPQ